The following is an entry in ClinVar:

NM_000038.6(APC):c.5444A>T (p.Asn1815Ile)

Gene: APC (APC regulator of Wnt signaling pathway; plus strand). Cytogenetic location: 5q22.2.
Variant type: single nucleotide variant.
Coding change: c.5444A>T on transcript NM_000038.6 (MANE Select); coding-DNA position 5444, A replaced by T.
Protein change: p.Asn1815Ile; replaces asparagine 1815 with isoleucine.
Molecular consequence: missense variant.
Genome position (GRCh38, 1-based): chr5:112,841,038, A>T. VCF-style: chr5-112841038-A-T. GRCh37 (hg19) VCF-style: chr5-112176735-A-T.
Other names: c.5444A>T, p.Asn1815Ile (NM_001127510.3, NM_001354895.2, NM_001407450.1); c.5390A>T, p.Asn1797Ile (NM_001127511.3); c.5498A>T, p.Asn1833Ile (NM_001354896.2, NM_001407447.1, NM_001407448.1 and 1 more transcripts); c.5474A>T, p.Asn1825Ile (NM_001354897.2); c.5369A>T, p.Asn1790Ile (NM_001354898.2); c.5360A>T, p.Asn1787Ile (NM_001354899.2); c.5321A>T, p.Asn1774Ile (NM_001354900.2); c.5267A>T, p.Asn1756Ile (NM_001354901.2, NM_001407453.1); and 11 more; short protein forms N1532I, N1431I, N1655I, N1689I, N1714I, N1724I, N1805I, N1833I.
Identifiers: ClinVar variation 1747571 (VCV001747571.2), dbSNP rs2149940357, ClinGen allele CA16033237.
Genomic context (GRCh38, chr5:112,841,038, plus strand): 5'-CAAAAAATAATTTAAATGCTGAGAGAGTTTTCTCAGACAACAAAGATTCAAAGAAACAGA[A>T]TTTGAAAAATAATTCCAAGGTCTTCAATGATAAGCTCCCAAATAATGAAGATAGAGTCAG-3'
Protein context (NP_000029.2, residues 1805-1825): FSDNKDSKKQ[Asn1815Ile]LKNNSKVFND

ClinVar aggregate classification (germline): Uncertain significance (1 of 4 stars; one submission).

Conditions:
Hereditary cancer-predisposing syndrome. Also called: Hereditary Cancer Syndrome; Neoplastic Syndromes, Hereditary; Tumor predisposition; Hereditary neoplastic syndrome. Identifiers: Orphanet 140162, MedGen C0027672, MeSH D009386, MONDO:0015356.

Allele frequency attached by ClinVar (database versions not stated): gnomAD exomes below 0.00001.
gnomAD v4.1: 2 of 1,610,840 alleles (0.00012%); highest among the groups gnomAD compares: Non-Finnish European, 0.00017%; no homozygotes.

Submission:

Ambry Genetics
Classification: Uncertain significance for Hereditary cancer-predisposing syndrome. Last evaluated: 2022-06-05. Review status: criteria provided, single submitter. Criteria: Ambry Variant Classification Scheme 2023. Collection method: clinical testing. Allele origin: germline.
Comment: The p.N1815I variant (also known as c.5444A>T), located in coding exon 15 of the APC gene, results from an A to T substitution at nucleotide position 5444. The asparagine at codon 1815 is replaced by isoleucine, an amino acid with dissimilar properties. This amino acid position is conserved. In addition, in silico predictors for this gene do not accurately predict pathogenicity. Since supporting evidence is limited at this time, the clinical significance of this alteration remains unclear.